The following is an entry in ClinVar:

ClinVar aggregate classification (germline): Uncertain significance (1 of 4 stars; one submission).

Conditions:
Microcephaly 16, primary, autosomal recessive (MCPH16). Identifiers: Orphanet 2512, MedGen C4225249, MONDO:0014730, OMIM 616681.

Submission:

Daryl Scott Lab, Baylor College of Medicine
Classification: Uncertain significance for Microcephaly 16, primary, autosomal recessive. Last evaluated: 2024-04-01. Review status: criteria provided, single submitter. Criteria: ACMG Guidelines, 2015. Collection method: clinical testing. Allele origin: biparental. Observed: 1 homozygote.
Comment: PVS1_supporting?, PM2, PP3

NM_015114.3(ANKLE2):c.7_22dup (p.Ala8fs)

Gene: ANKLE2 (ankyrin repeat and LEM domain containing 2; minus strand). Cytogenetic location: 12q24.33.
Variant type: Duplication.
Coding change: c.7_22dup on transcript NM_015114.3 (MANE Select); coding-DNA positions 7 to 22, 16 bases duplicated (TGGCCGCGGCTGGCGG).
Protein change: p.Ala8fs; shifts the reading frame from alanine 8.
Molecular consequence: frameshift variant.
Genome position (GRCh38, 1-based): chr12:132,761,777-132,761,792, CCGCCAGCCGCGGCCA duplicated on the plus strand (TGGCCGCGGCTGGCGG on the coding strand, the reverse complement: ANKLE2 is on the minus strand); duplicating any 16 consecutive bases within chr12:132,761,777-132,761,793 gives the same sequence; the c. name uses the placement nearest the transcript's 3' end. VCF-style (leftmost placement, unchanged base first): chr12-132761776-G-GCCGCCAGCCGCGGCCA. GRCh37 (hg19) VCF-style: chr12-133338362-G-GCCGCCAGCCGCGGCCA.
Other names: c.7_22dup16 (NM_015114.3); short protein forms A8fs.
Identifiers: ClinVar variation 3778767 (VCV003778767.1).